The following is an entry in ClinVar:

NM_001376.5(DYNC1H1):c.11016G>A (p.Ser3672=)

Gene: DYNC1H1 (dynein cytoplasmic 1 heavy chain 1; plus strand). Cytogenetic location: 14q32.31.
Variant type: single nucleotide variant.
Coding change: c.11016G>A on transcript NM_001376.5 (MANE Select); coding-DNA position 11016, G replaced by A.
Protein change: p.Ser3672=; no amino-acid change (serine 3672 retained).
Molecular consequence: synonymous variant.
Genome position (GRCh38, 1-based): chr14:102,038,567, G>A. VCF-style: chr14-102038567-G-A. GRCh37 (hg19) VCF-style: chr14-102504904-G-A.
Identifiers: ClinVar variation 210860 (VCV000210860.49), dbSNP rs199679500, ClinGen allele CA205277.

ClinVar aggregate classification (germline): Benign/Likely benign. Review status: criteria provided, multiple submitters, no conflicts (2 of 4 stars). 8 submissions from 8 submitters: Benign (4); Likely benign (3). 1 of the submissions does not count toward it. Last evaluated 2025-08-06.

Conditions:
DYNC1H1-related disorder. Also called: DYNC1H1-related condition; DYNC1H1-related disorders. Identifiers: MedGen CN381529.
Inborn genetic diseases. Identifiers: MedGen C0950123, MeSH D030342.
Charcot-Marie-Tooth disease axonal type 2O. Also called: Charcot-Marie-Tooth disease, axonal, type 20; CHARCOT-MARIE-TOOTH NEUROPATHY, AXONAL, TYPE 2O; CHARCOT-MARIE-TOOTH DISEASE, AXONAL, AUTOSOMAL DOMINANT, TYPE 2O; Charcot-Marie-Tooth Neuropathy Type 2O. Identifiers: Orphanet 284232, MedGen C3280220, MONDO:0013644, OMIM 614228.
Charcot-Marie-Tooth disease. Also called: Charcot-Marie-Tooth Hereditary Neuropathy; Charcot-Marie-Tooth Neuropathy. Identifiers: Orphanet 166, MedGen C0007959, MONDO:0015626.

Allele frequency attached by ClinVar (database versions not stated): gnomAD 0.00013 and 0.00031; TOPMed 0.00018; gnomAD exomes 0.00021 and 0.00047; ExAC 0.00059; 1000 Genomes Project 30x 0.00234; 1000 Genomes Project 0.00300.
gnomAD v4.1: 356 of 1,614,152 alleles (0.022%); highest among the groups gnomAD compares: South Asian, 0.31%; 6 homozygotes.

Submissions (8):

Labcorp Genetics (formerly Invitae), Labcorp
Classification: Benign for Charcot-Marie-Tooth disease axonal type 2O. Last evaluated: 2025-08-06. Review status: criteria provided, single submitter. Criteria: Invitae Variant Classification Sherloc (09022015). Collection method: clinical testing. Allele origin: germline.

Blueprint Genetics
Classification: Likely benign. Last evaluated: 2024-10-18. Review status: criteria provided, single submitter. Criteria: ACMG Guidelines, 2015. Collection method: clinical testing. Allele origin: germline.

CeGaT Center for Human Genetics Tuebingen
Classification: Benign. Last evaluated: 2023-09-01. Review status: criteria provided, single submitter. Criteria: CeGaT Center For Human Genetics Tuebingen Variant Classification Criteria Version 2. Collection method: clinical testing. Allele origin: germline. Affected: yes. Observed: 1 variant allele.
Comment: DYNC1H1: BP4, BP7, BS1, BS2

GeneDx
Classification: Benign. Last evaluated: 2019-05-02. Review status: criteria provided, single submitter. Criteria: GeneDx Variant Classification Process June 2021. Collection method: clinical testing. Allele origin: germline. Affected: yes.

Genetic Services Laboratory, University of Chicago
Classification: Benign. Last evaluated: 2017-09-05. Review status: criteria provided, single submitter. Criteria: ACMG Guidelines, 2015. Collection method: clinical testing. Allele origin: germline. Affected: no.

Ambry Genetics
Classification: Likely benign for Inborn genetic diseases. Last evaluated: 2016-09-20. Review status: criteria provided, single submitter. Criteria: Ambry Variant Classification Scheme 2023. Collection method: clinical testing. Allele origin: germline.

Molecular Genetics Laboratory, London Health Sciences Centre
Classification: Likely benign for Charcot-Marie-Tooth disease. Review status: criteria provided, single submitter. Criteria: ACMG Guidelines, 2015. Collection method: clinical testing. Allele origin: germline. Affected: yes.

PreventionGenetics, part of Exact Sciences
Classification: Benign for DYNC1H1-related condition. Last evaluated: 2019-04-05. Review status: no assertion criteria provided. Collection method: clinical testing. Allele origin: germline. Not counted in ClinVar's aggregate classification.
Comment: This variant is classified as benign based on ACMG/AMP sequence variant interpretation guidelines (Richards et al. 2015 PMID: 25741868, with internal and published modifications).